The following is an entry in ClinVar:

NM_004329.3(BMPR1A):c.433C>A (p.Pro145Thr)

Gene: BMPR1A (bone morphogenetic protein receptor type 1A; plus strand). Cytogenetic location: 10q23.2.
Variant type: single nucleotide variant.
Coding change: c.433C>A on transcript NM_004329.3 (MANE Select); coding-DNA position 433, C replaced by A.
Protein change: p.Pro145Thr; replaces proline 145 with threonine.
Molecular consequence: missense variant. On other transcripts: non-coding transcript variant (3), intron variant (1).
Genome position (GRCh38, 1-based): chr10:86,900,029, C>A. VCF-style: chr10-86900029-C-A. GRCh37 (hg19) VCF-style: chr10-88659786-C-A.
Other names: c.349C>A, p.Pro117Thr (NM_001406586.1, NM_001406587.1, NM_001406588.1 and 2 more transcripts); c.433C>A, p.Pro145Thr (NM_001406565.1, NM_001406566.1, NM_001406567.1 and 22 more transcripts); c.333+7800C>A (NM_001406589.1); short protein forms P145T, P117T.
Identifiers: ClinVar variation 4214382 (VCV004214382.1).

ClinVar aggregate classification (germline): Uncertain significance (1 of 4 stars; one submission).

Conditions:
Hereditary cancer-predisposing syndrome. Also called: Neoplastic Syndromes, Hereditary; Tumor predisposition; Hereditary Cancer Syndrome; Hereditary neoplastic syndrome. Identifiers: Orphanet 140162, MedGen C0027672, MeSH D009386, MONDO:0015356.

Submission:

Ambry Genetics
Classification: Uncertain significance for Hereditary cancer-predisposing syndrome. Last evaluated: 2025-08-23. Review status: criteria provided, single submitter. Criteria: Ambry Variant Classification Scheme 2023. Collection method: clinical testing. Allele origin: germline.
Comment: The p.P145T variant (also known as c.433C>A), located in coding exon 5 of the BMPR1A gene, results from a C to A substitution at nucleotide position 433. The proline at codon 145 is replaced by threonine, an amino acid with highly similar properties. This amino acid position is conserved. In addition, this alteration is predicted to be tolerated by in silico analysis. Based on the available evidence, the clinical significance of this variant remains unclear.